The following is an entry in ClinVar:

ClinVar aggregate classification (germline): Likely benign (0 of 4 stars; one submission).

Conditions:
INTS6-related disorder. Also called: INTS6-related condition.

Allele frequency attached by ClinVar (database versions not stated): ESP Exome Variant Server 0.00008; gnomAD 0.00025; 1000 Genomes Project 30x 0.00031; ExAC 0.00031; 1000 Genomes Project 0.00040.
gnomAD v4.1: 297 of 1,613,848 alleles (0.018%); highest among the groups gnomAD compares: East Asian, 0.44%; 3 homozygotes.

Submission:

PreventionGenetics, part of Exact Sciences
Classification: Likely benign for INTS6-related condition. Last evaluated: 2019-02-19. Review status: no assertion criteria provided. Collection method: clinical testing. Allele origin: germline.
Comment: This variant is classified as likely benign based on ACMG/AMP sequence variant interpretation guidelines (Richards et al. 2015 PMID: 25741868, with internal and published modifications).

NM_012141.3(INTS6):c.2213C>G (p.Ala738Gly)

Gene: INTS6 (integrator complex subunit 6; minus strand). Cytogenetic location: 13q14.3.
Variant type: single nucleotide variant.
Coding change: c.2213C>G on transcript NM_012141.3 (MANE Select); coding-DNA position 2213, C replaced by G.
Protein change: p.Ala738Gly; replaces alanine 738 with glycine.
Molecular consequence: missense variant.
Genome position (GRCh38, 1-based): chr13:51,369,202, G>C on the plus strand (C>G on the coding strand, the complement: INTS6 is on the minus strand). VCF-style: chr13-51369202-G-C. GRCh37 (hg19) VCF-style: chr13-51943338-G-C.
Other names: c.2174C>G, p.Ala725Gly (NM_001039937.2); c.1679C>G, p.Ala560Gly (NM_001306091.2); short protein forms A560G, A725G, A738G.
Identifiers: ClinVar variation 3034812 (VCV003034812.2), dbSNP rs199886113, ClinGen allele CA6986762.
Genomic context (GRCh38, chr13:51,369,202, plus strand): 5'-TCATGACCAAGAGCCTCCATATGATTGGTTGGCCGTTCCAGTAAACTGGCTGGAGAAGAT[G>C]CTGAAAATTCCGTATCCATAGCATTTGGTGTAATGTCTGATGAAAGTTGGTCTGCAACAT-3'
Protein context (NP_036273.1, residues 728-748): TPNAMDTEFS[Ala738Gly]SSPASLLERP